The following is an entry in ClinVar:

NM_020791.4(TAOK1):c.223A>G (p.Lys75Glu)

Gene: TAOK1 (TAO kinase 1; plus strand). Cytogenetic location: 17q11.2.
Variant type: single nucleotide variant.
Coding change: c.223A>G on transcript NM_020791.4 (MANE Select); coding-DNA position 223, A replaced by G.
Protein change: p.Lys75Glu; replaces lysine 75 with glutamic acid.
Molecular consequence: missense variant.
Genome position (GRCh38, 1-based): chr17:29,475,688, A>G. VCF-style: chr17-29475688-A-G. GRCh37 (hg19) VCF-style: chr17-27802706-A-G.
Other names: c.223A>G, p.Lys75Glu (NM_025142.1); short protein forms K75E.
Identifiers: ClinVar variation 1333311 (VCV001333311.1), dbSNP rs2153026444, ClinGen allele CA399188288.

ClinVar aggregate classification (germline): Uncertain significance (1 of 4 stars; one submission).

Conditions:
Developmental delay with or without intellectual impairment or behavioral abnormalities. Identifiers: MedGen C5562004, MONDO:0859199, OMIM 619575.

Submission:

3billion
Classification: Uncertain significance for Developmental delay with or without intellectual impairment or behavioral abnormalities. Last evaluated: 2022-01-03. Review status: criteria provided, single submitter. Criteria: ACMG Guidelines, 2015. Collection method: clinical testing. Allele origin: germline. Affected: yes. Observed: 1 heterozygote.
Comment: The variant not observed in the gnomAD v2.1.1 dataset (PM2_M). In silico tool predictions suggest damaging effect of the variant on gene or gene product (REVEL: 0.649, PP3_P). A missense variant is a common mechanism associated with Developmental delay with or without intellectual impairment or behavioral abnormalities (PP2_P). Therefore, this variant is classified as uncertain significance according to the recommendation of ACMG/AMP guideline.